The following is an entry in ClinVar:

ClinVar aggregate classification (germline): Likely pathogenic. Review status: criteria provided, single submitter (1 of 4 stars). 2 submissions from 1 submitter: Likely pathogenic (2). Last evaluated 2021-01-08.

Conditions:
Developmental and epileptic encephalopathy, 85, with or without midline brain defects. Also called: EPILEPTIC ENCEPHALOPATHY, EARLY INFANTILE, 85, WITH OR WITHOUT MIDLINE BRAIN DEFECTS. Identifiers: MedGen C5393312, MONDO:0026771, OMIM 301044.
Congenital muscular hypertrophy-cerebral syndrome (CDLS2). Also called: Cornelia de Lange syndrome 2; SMC1A-Related Cornelia de Lange Syndrome. Identifiers: Orphanet 199, MedGen C1802395, MONDO:0010370, OMIM 300590.

Submissions (2):

Institute of Human Genetics, Clinical Exome/Genome Diagnostics Group, University Hospital Bonn
Classification: Likely pathogenic for Congenital muscular hypertrophy-cerebral syndrome. Last evaluated: 2021-01-08. Review status: criteria provided, single submitter. Criteria: ACMG Guidelines, 2015. Collection method: clinical testing. Allele origin: de novo. Affected: yes.
Comment: PS2, PM2, PM4 _supporting

Institute of Human Genetics, Clinical Exome/Genome Diagnostics Group, University Hospital Bonn
Classification: Likely pathogenic for Developmental and epileptic encephalopathy, 85, with or without midline brain defects. Last evaluated: 2021-01-08. Review status: criteria provided, single submitter. Criteria: ACMG Guidelines, 2015. Collection method: clinical testing. Allele origin: de novo. Affected: yes.
Comment: the same text as in the submission from Institute of Human Genetics, Clinical Exome/Genome Diagnostics Group, University Hospital Bonn above.

NM_006306.4(SMC1A):c.2029AAG[1] (p.Lys678del)

Gene: SMC1A (structural maintenance of chromosomes 1A; minus strand). Cytogenetic location: Xp11.22.
Variant type: Microsatellite.
Coding change: c.2029AAG[1] on transcript NM_006306.4 (MANE Select); one copy of the 3-base unit AAG starting at c.2029; the reference has two copies in a row; one copy, 3 bases deleted; also written c.2032_2034del.
Protein change: p.Lys678del; deletes lysine 678.
Molecular consequence: inframe deletion.
Genome position (GRCh38, 1-based): chrX:53,405,269-53,405,271, CTT deleted on the plus strand (AAG on the coding strand, the reverse complement: SMC1A is on the minus strand); deleting any 3 consecutive bases within chrX:53,405,269-53,405,276 gives the same sequence; the position shown is the placement nearest the transcript's 3' end. VCF-style (leftmost placement, unchanged base first): chrX-53405268-CCTT-C. GRCh37 (hg19) VCF-style: chrX-53432200-CCTT-C.
Other names: c.1963AAG[1], p.Lys656del (NM_001281463.1); c.2032_2034del (NM_006306.4); short protein forms K656del, K678del.
Identifiers: ClinVar variation 1343250 (VCV001343250.1), dbSNP rs2146599562, ClinGen allele CA2580612340.